The following is an entry in ClinVar:

ClinVar aggregate classification (germline): Benign (0 of 4 stars; one submission).

Conditions:
MDN1-related disorder. Also called: MDN1-related condition.

Allele frequency attached by ClinVar (database versions not stated): 1000 Genomes Project 0.09046; TOPMed 0.09474; gnomAD 0.09935; ESP Exome Variant Server 0.10534; ExAC 0.12403; 1000 Genomes Project 30x 0.08823.
gnomAD v4.1: 208,690 of 1,606,016 alleles (13%); highest among the groups gnomAD compares: South Asian, 17%; 14,603 homozygotes.

Submission:

PreventionGenetics, part of Exact Sciences
Classification: Benign for MDN1-related condition. Last evaluated: 2019-10-23. Review status: no assertion criteria provided. Collection method: clinical testing. Allele origin: germline.
Comment: This variant is classified as benign based on ACMG/AMP sequence variant interpretation guidelines (Richards et al. 2015 PMID: 25741868, with internal and published modifications).

NM_014611.3(MDN1):c.1227C>T (p.Asp409=)

Gene: MDN1 (midasin AAA ATPase 1; minus strand). Cytogenetic location: 6q15.
Variant type: single nucleotide variant.
Coding change: c.1227C>T on transcript NM_014611.3 (MANE Select); coding-DNA position 1227, C replaced by T.
Protein change: p.Asp409=; no amino-acid change (aspartic acid 409 retained).
Molecular consequence: synonymous variant.
Genome position (GRCh38, 1-based): chr6:89,789,783, G>A on the plus strand (C>T on the coding strand, the complement: MDN1 is on the minus strand). VCF-style: chr6-89789783-G-A. GRCh37 (hg19) VCF-style: chr6-90499502-G-A.
Identifiers: ClinVar variation 3060752 (VCV003060752.2), dbSNP rs1036853, ClinGen allele CA3926101.